The following is an entry in ClinVar:

ClinVar aggregate classification (germline): Likely pathogenic (1 of 4 stars; one submission).

gnomAD v4.1: 27 of 1,600,812 alleles (0.0017%); highest among the groups gnomAD compares: Non-Finnish European, 0.0022%; no homozygotes.

Submission:

Labcorp Genetics (formerly Invitae), Labcorp
Classification: Likely pathogenic. Last evaluated: 2025-10-15. Review status: criteria provided, single submitter. Criteria: Invitae Variant Classification Sherloc (09022015). Collection method: clinical testing. Allele origin: germline.
Comment: This sequence change affects a donor splice site in intron 6 of the MBTPS1 gene. It is expected to disrupt RNA splicing. Variants that disrupt the donor or acceptor splice site typically lead to a loss of protein function (PMID: 16199547), and loss-of-function variants in MBTPS1 are known to be pathogenic (PMID: 30046013). This variant is present in population databases (rs760091079, gnomAD 0.002%). This variant has not been reported in the literature in individuals affected with MBTPS1-related conditions. Algorithms developed to predict the effect of sequence changes on RNA splicing suggest that this variant may disrupt the consensus splice site. In summary, the currently available evidence indicates that the variant is pathogenic, but additional data are needed to prove that conclusively. Therefore, this variant has been classified as Likely Pathogenic.

Literature cited by the submitters: PubMed 16199547; PubMed 30046013.

NM_003791.4(MBTPS1):c.846+1G>A

Gene: MBTPS1 (membrane bound transcription factor peptidase, site 1; minus strand). Cytogenetic location: 16q23.3.
Variant type: single nucleotide variant.
Coding change: c.846+1G>A on transcript NM_003791.4 (MANE Select); the canonical splice donor site of the intron after coding-DNA position 846, G replaced by A.
Molecular consequence: splice donor variant.
Genome position (GRCh38, 1-based): chr16:84,093,187, C>T on the plus strand (G>A on the coding strand, the complement: MBTPS1 is on the minus strand). VCF-style: chr16-84093187-C-T. GRCh37 (hg19) VCF-style: chr16-84126792-C-T.
Identifiers: ClinVar variation 4769493 (VCV004769493.1).